The following is an entry in ClinVar:

NC_000023.11:g.22243338_22690207del

Genes: CBLL2 (Cbl proto-oncogene like 2; plus strand), PHEX (phosphate regulating endopeptidase X-linked; plus strand), PTCHD1-AS (PTCHD1 and PHEX antisense RNA; minus strand), LOC126863223 (CDK7 strongly-dependent group 2 enhancer GRCh37_chrX:22383141-22384340; plus strand), LOC126863224 (CDK7 strongly-dependent group 2 enhancer GRCh37_chrX:22417737-22418936; plus strand) and 2 more. Cytogenetic location: Xp22.11.
Variant type: Deletion.
Identifiers: ClinVar variation 1013602 (VCV001013602.2).

ClinVar aggregate classification (germline): Pathogenic (1 of 4 stars; one submission).

Conditions:
Familial X-linked hypophosphatemic vitamin D refractory rickets (XLHRD). Also called: X-Linked Hypophosphatemia; HYPOPHOSPHATEMIC VITAMIN D-RESISTANT RICKETS; Hypophosphatemia, vitamin D-resistant rickets; Vitamin D-resistant rickets, X-linked; Hypophosphatemic Rickets, X-Linked Dominant. Identifiers: Orphanet 89936, MedGen C0733682, MONDO:0010619, OMIM 307800.

Submission:

MNM Diagnostics
Classification: Pathogenic for Familial X-linked hypophosphatemic vitamin D refractory rickets. Last evaluated: 2020-01-24. Review status: criteria provided, single submitter. Criteria: ACMG Guidelines, 2015. Collection method: clinical testing. Allele origin: unknown. Affected: yes. Observed: 1 variant allele.
Comment: This is a hemizygotic deletion spanning two last exons (21-22) of PHEX gene and CBLL2 gene. LOF mutations in PHEX gene are responsible for the X-linked hypophosphatemic rickets (XLHD). Deletion of two last exons were described previously in relation to a XLHD patient (PMID: 19513579). The variant was previously identified as pathogenic (HGMD: CG097917).

Literature cited by the submitters: PubMed 19513579.